The following is an entry in ClinVar:

NM_198253.3(TERT):c.1009G>A (p.Asp337Asn)

Gene: TERT (telomerase reverse transcriptase; minus strand). Cytogenetic location: 5p15.33.
Variant type: single nucleotide variant.
Coding change: c.1009G>A on transcript NM_198253.3 (MANE Select); coding-DNA position 1009, G replaced by A.
Protein change: p.Asp337Asn; replaces aspartic acid 337 with asparagine.
Molecular consequence: missense variant. On other transcripts: non-coding transcript variant (2).
Genome position (GRCh38, 1-based): chr5:1,293,877, C>T on the plus strand (G>A on the coding strand, the complement: TERT is on the minus strand). VCF-style: chr5-1293877-C-T. GRCh37 (hg19) VCF-style: chr5-1293992-C-T.
Other names: c.1009G>A, p.Asp337Asn (NM_001193376.3); short protein forms D337N.
Identifiers: ClinVar variation 1338199 (VCV001338199.13), dbSNP rs2126686381, ClinGen allele CA359055966.
Genomic context (GRCh38, chr5:1,293,877, plus strand): 5'-CGCCAGTCAGGCTGGGCCTCAGAGAGCTGAGTAGGAAGGAGGGCCGCAGCTGCTCCTTGT[C>T]GCCTGAGGAGTAGAGGAAGTGCTTGGTCTCGGCGTACACCGGGGGACAAGGCGTGTCCCA-3'
Protein context (NP_937983.2, residues 327-347): ETKHFLYSSG[Asp337Asn]KEQLRPSFLL

ClinVar aggregate classification (germline): Uncertain significance. Review status: criteria provided, multiple submitters, no conflicts (2 of 4 stars). 3 submissions from 3 submitters: Uncertain significance (3). Last evaluated 2023-05-22.

Conditions:
Dyskeratosis congenita, autosomal dominant 2. Identifiers: MedGen C3151443, MONDO:0013521, OMIM 613989.
Idiopathic Pulmonary Fibrosis. Also called: Idiopathic fibrosing alveolitis, chronic form; idiopathic fibrosing alveolitis. Identifiers: Orphanet 2032, MedGen C1800706, MeSH D054990, MONDO:0800504.

Submissions (3):

Labcorp Genetics (formerly Invitae), Labcorp
Classification: Uncertain significance for Dyskeratosis congenita, autosomal dominant 2; Idiopathic Pulmonary Fibrosis. Last evaluated: 2023-05-22. Review status: criteria provided, single submitter. Criteria: Invitae Variant Classification Sherloc (09022015). Collection method: clinical testing. Allele origin: germline.
Comment: In summary, the available evidence is currently insufficient to determine the role of this variant in disease. Therefore, it has been classified as a Variant of Uncertain Significance. Algorithms developed to predict the effect of missense changes on protein structure and function output the following: SIFT: "Not Available"; PolyPhen-2: "Benign"; Align-GVGD: "Not Available". The asparagine amino acid residue is found in multiple mammalian species, which suggests that this missense change does not adversely affect protein function. ClinVar contains an entry for this variant (Variation ID: 1338199). This variant has not been reported in the literature in individuals affected with TERT-related conditions. This variant is not present in population databases (gnomAD no frequency). This sequence change replaces aspartic acid, which is acidic and polar, with asparagine, which is neutral and polar, at codon 337 of the TERT protein (p.Asp337Asn).

St. Jude Molecular Pathology, St. Jude Children's Research Hospital
Classification: Uncertain significance for Dyskeratosis congenita, autosomal dominant 2. Last evaluated: 2022-06-29. Review status: criteria provided, single submitter. Criteria: St. Jude Assertion Criteria 2020. Collection method: clinical testing. Allele origin: germline.
Comment: The TERT c.1009G>A (p.Asp337Asn) missense change is absent in gnomAD v2.1.1. To our knowledge, this variant has not been reported in individuals with clinical features of dyskeratosis congenita. The in silico tool REVEL predicts a benign effect on protein function, but to our knowledge this prediction has not been confirmed by functional studies. This variant occurs in a gene where missense variants are more likely to be damaging based on methods described by Lek et al. (PMID: 27535533). In summary, the evidence currently available is insufficient to determine the role of this variant in dyskeratosis congenita. It has therefore been classified as of uncertain significance.

Genetic Services Laboratory, University of Chicago
Classification: Uncertain significance. Last evaluated: 2021-12-20. Review status: criteria provided, single submitter. Criteria: ACMG Guidelines, 2015. Collection method: clinical testing. Allele origin: germline. Affected: no.